The following is an entry in ClinVar:

ClinVar aggregate classification (germline): Uncertain significance (1 of 4 stars; one submission).

Allele frequency attached by ClinVar (database versions not stated): gnomAD exomes below 0.00001; TOPMed below 0.00001; ExAC 0.00001; gnomAD 0.00001; ESP Exome Variant Server 0.00008.
gnomAD v4.1: 2 of 1,614,050 alleles (0.00012%); highest among the groups gnomAD compares: African/African-American, 0.0013%; no homozygotes.

Submission:

Labcorp Genetics (formerly Invitae), Labcorp
Classification: Uncertain significance. Last evaluated: 2023-12-09. Review status: criteria provided, single submitter. Criteria: Invitae Variant Classification Sherloc (09022015). Collection method: clinical testing. Allele origin: germline.
Comment: This sequence change replaces alanine, which is neutral and non-polar, with threonine, which is neutral and polar, at codon 681 of the KIF20A protein (p.Ala681Thr). This variant is present in population databases (rs372480821, gnomAD 0.007%). This variant has not been reported in the literature in individuals affected with KIF20A-related conditions. ClinVar contains an entry for this variant (Variation ID: 1418219). An algorithm developed to predict the effect of missense changes on protein structure and function (PolyPhen-2) suggests that this variant is likely to be tolerated. In summary, the available evidence is currently insufficient to determine the role of this variant in disease. Therefore, it has been classified as a Variant of Uncertain Significance.

NM_005733.3(KIF20A):c.2041G>A (p.Ala681Thr)

Gene: KIF20A (kinesin family member 20A; plus strand). Cytogenetic location: 5q31.2.
Variant type: single nucleotide variant.
Coding change: c.2041G>A on transcript NM_005733.3 (MANE Select); coding-DNA position 2041, G replaced by A.
Protein change: p.Ala681Thr; replaces alanine 681 with threonine.
Molecular consequence: missense variant.
Genome position (GRCh38, 1-based): chr5:138,185,626, G>A. VCF-style: chr5-138185626-G-A. GRCh37 (hg19) VCF-style: chr5-137521315-G-A.
Other names: short protein forms A681T.
Identifiers: ClinVar variation 1418219 (VCV001418219.8), dbSNP rs372480821, ClinGen allele CA3426791.
Genomic context (GRCh38, chr5:138,185,626, plus strand): 5'-CAGTCAGTGGCCCATCAGCAATCAGGGTCTGAATTGGCCCTACGGCGGTCACAAAGGTTG[G>A]CAGCTTCTGCCTCCACCCAGCAGCTTCAGGAGGTTAAAGCTAAATTACAGCAGTGCAAAG-3'
Protein context (NP_005724.1, residues 671-691): ELALRRSQRL[Ala681Thr]ASASTQQLQE